The following is an entry in ClinVar:

ClinVar aggregate classification (germline): Uncertain significance (1 of 4 stars; one submission).

gnomAD v4.1: 6 of 1,614,110 alleles (0.00037%); highest among the groups gnomAD compares: Non-Finnish European, 0.00051%; no homozygotes.

Submission:

Labcorp Genetics (formerly Invitae), Labcorp
Classification: Uncertain significance. Last evaluated: 2025-03-17. Review status: criteria provided, single submitter. Criteria: Invitae Variant Classification Sherloc (09022015). Collection method: clinical testing. Allele origin: germline.
Comment: This sequence change replaces isoleucine, which is neutral and non-polar, with valine, which is neutral and non-polar, at codon 345 of the TRIM28 protein (p.Ile345Val). This variant is present in population databases (rs761170674, gnomAD 0.002%). This variant has not been reported in the literature in individuals affected with TRIM28-related conditions. Experimental studies and prediction algorithms are not available or were not evaluated, and the functional significance of this variant is currently unknown. In summary, the available evidence is currently insufficient to determine the role of this variant in disease. Therefore, it has been classified as a Variant of Uncertain Significance.

NM_005762.3(TRIM28):c.1033A>G (p.Ile345Val)

Gene: TRIM28 (tripartite motif containing 28; plus strand). Cytogenetic location: 19q13.43.
Variant type: single nucleotide variant.
Coding change: c.1033A>G on transcript NM_005762.3 (MANE Select); coding-DNA position 1033, A replaced by G.
Protein change: p.Ile345Val; replaces isoleucine 345 with valine.
Molecular consequence: missense variant.
Genome position (GRCh38, 1-based): chr19:58,548,112, A>G. VCF-style: chr19-58548112-A-G. GRCh37 (hg19) VCF-style: chr19-59059479-A-G.
Other names: short protein forms I345V.
Identifiers: ClinVar variation 4751430 (VCV004751430.1).